The following is an entry in ClinVar:

ClinVar aggregate classification (germline): Uncertain significance. Review status: criteria provided, multiple submitters, no conflicts (2 of 4 stars). 5 submissions from 5 submitters: Uncertain significance (4). 1 of the submissions does not count toward it. Last evaluated 2024-11-04.

Conditions:
Glycine encephalopathy. Also called: Nonketotic hyperglycinemia; Non-ketotic hyperglycinemia. Identifiers: Orphanet 407, MedGen C0751748, MONDO:0011612, HP:0008288.

Allele frequency attached by ClinVar (database versions not stated): TOPMed 0.00012.
gnomAD v4.1: 117 of 1,611,838 alleles (0.0073%); highest among the groups gnomAD compares: Admixed American, 0.057%; no homozygotes.

Submissions (5):

Women's Health and Genetics/Laboratory Corporation of America, LabCorp
Classification: Uncertain significance. Last evaluated: 2024-11-04. Review status: criteria provided, single submitter. Criteria: LabCorp Variant Classification Summary - May 2015. Collection method: clinical testing. Allele origin: germline.

GeneDx
Classification: Uncertain significance. Last evaluated: 2023-06-19. Review status: criteria provided, single submitter. Criteria: GeneDx Variant Classification Process June 2021. Collection method: clinical testing. Allele origin: germline. Affected: yes.
Comment: In silico analysis suggests this variant may impact gene splicing. In the absence of RNA/functional studies, the actual effect of this sequence change is unknown.; This variant is associated with the following publications: (PMID: 24989684)

Labcorp Genetics (formerly Invitae), Labcorp
Classification: Uncertain significance for Glycine encephalopathy. Last evaluated: 2022-08-31. Review status: criteria provided, single submitter. Criteria: Invitae Variant Classification Sherloc (09022015). Collection method: clinical testing. Allele origin: germline.
Comment: This sequence change falls in intron 6 of the GLDC gene. It does not directly change the encoded amino acid sequence of the GLDC protein. It affects a nucleotide within the consensus splice site. This variant is present in population databases (rs192663616, gnomAD 0.06%). This variant has not been reported in the literature in individuals affected with GLDC-related conditions. ClinVar contains an entry for this variant (Variation ID: 462893). Variants that disrupt the consensus splice site are a relatively common cause of aberrant splicing (PMID: 17576681, 9536098). Algorithms developed to predict the effect of sequence changes on RNA splicing suggest that this variant may create or strengthen a splice site. In summary, the available evidence is currently insufficient to determine the role of this variant in disease. Therefore, it has been classified as a Variant of Uncertain Significance.

Fulgent Genetics
Classification: Uncertain significance for Glycine encephalopathy 1. Last evaluated: 2021-09-10. Review status: criteria provided, single submitter. Criteria: ACMG Guidelines, 2015. Collection method: clinical testing. Allele origin: unknown.

Natera, Inc.
Classification: Uncertain significance for Non-ketotic hyperglycinemia. Last evaluated: 2019-10-28. Review status: no assertion criteria provided. Collection method: clinical testing. Allele origin: germline. Not counted in ClinVar's aggregate classification.

Literature cited by the submitters: PubMed 17576681 (cited by Labcorp Genetics (formerly Invitae), Labcorp); PubMed 9536098 (cited by Labcorp Genetics (formerly Invitae), Labcorp).

NM_000170.3(GLDC):c.861+5G>C

Gene: GLDC (glycine decarboxylase; minus strand). Cytogenetic location: 9p24.1.
Variant type: single nucleotide variant.
Coding change: c.861+5G>C on transcript NM_000170.3 (MANE Select); 5 bases into the intron after coding-DNA position 861, G replaced by C.
Molecular consequence: intron variant.
Genome position (GRCh38, 1-based): chr9:6,605,126, C>G on the plus strand (G>C on the coding strand, the complement: GLDC is on the minus strand). VCF-style: chr9-6605126-C-G. GRCh37 (hg19) VCF-style: chr9-6605126-C-G.
Identifiers: ClinVar variation 462893 (VCV000462893.15), dbSNP rs192663616, ClinGen allele CA4980968.
Genomic context (GRCh38, chr9:6,605,126, plus strand): 5'-GATAGGTAGACAGATACAAGTTGGGATACGCCTCCACGGACCCCCCACAAGAAAGGTATA[C>G]CTACCCCACTCTGATGAGCTCTCTCCACGAGTTCCGTAAAGTCTTCCACCTTCCCCTCCG-3'